The following is an entry in ClinVar:

ClinVar aggregate classification (germline): Uncertain significance (0 of 4 stars; one submission).

Conditions:
RAI1-related disorder. Also called: RAI1-related condition.

gnomAD v4.1: 13 of 1,614,038 alleles (0.00081%); highest among the groups gnomAD compares: African/African-American, 0.0013%; no homozygotes.

Submission:

PreventionGenetics, part of Exact Sciences
Classification: Uncertain significance for RAI1-related condition. Last evaluated: 2024-04-10. Review status: no assertion criteria provided. Collection method: clinical testing. Allele origin: germline.
Comment: The RAI1 c.119G>T variant is predicted to result in the amino acid substitution p.Cys40Phe. To our knowledge, this variant has not been reported in the literature. This variant is reported in 0.0065% of alleles in individuals of African descent in gnomAD. At this time, the clinical significance of this variant is uncertain due to the absence of conclusive functional and genetic evidence.

NM_030665.4(RAI1):c.119G>T (p.Cys40Phe)

Gene: RAI1 (retinoic acid induced 1; plus strand). Cytogenetic location: 17p11.2.
Variant type: single nucleotide variant.
Coding change: c.119G>T on transcript NM_030665.4 (MANE Select); coding-DNA position 119, G replaced by T.
Protein change: p.Cys40Phe; replaces cysteine 40 with phenylalanine.
Molecular consequence: missense variant.
Genome position (GRCh38, 1-based): chr17:17,793,067, G>T. VCF-style: chr17-17793067-G-T. GRCh37 (hg19) VCF-style: chr17-17696381-G-T.
Other names: short protein forms C40F.
Identifiers: ClinVar variation 3355888 (VCV003355888.1).